The following is an entry in ClinVar:

NM_003072.5(SMARCA4):c.1413G>A (p.Lys471=)

Gene: SMARCA4 (SWI/SNF related BAF chromatin remodeling complex subunit ATPase 4; plus strand). Cytogenetic location: 19p13.2.
Variant type: single nucleotide variant.
Coding change: c.1413G>A on transcript NM_003072.5 (MANE Select); coding-DNA position 1413, G replaced by A.
Protein change: p.Lys471=; no amino-acid change (lysine 471 retained).
Molecular consequence: synonymous variant. On other transcripts: non-coding transcript variant (1).
Genome position (GRCh38, 1-based): chr19:10,991,317, G>A. VCF-style: chr19-10991317-G-A. GRCh37 (hg19) VCF-style: chr19-11101993-G-A.
Other names: p.Lys471=; c.1413G>A (NM_001128849.2); c.1413G>A, p.Lys471= (NM_001128844.3, NM_001128845.2, NM_001128846.2 and 5 more transcripts).
Identifiers: ClinVar variation 126356 (VCV000126356.31), dbSNP rs17001073, ClinGen allele CA151105.

ClinVar aggregate classification (germline): Benign/Likely benign. Review status: criteria provided, multiple submitters, no conflicts (2 of 4 stars). 11 submissions from 11 submitters: Benign (9); Likely benign (1). 1 of the submissions does not count toward it. Last evaluated 2026-07-10.

Conditions:
Rhabdoid tumor predisposition syndrome 2 (RTPS2). Identifiers: Orphanet 231108, Orphanet 69077, MedGen C2750074, MONDO:0013224, OMIM 613325.
Intellectual disability, autosomal dominant 16 (CSS4). Also called: COFFIN-SIRIS SYNDROME 4. Identifiers: Orphanet 1465, MedGen C3553249, MONDO:0013821, OMIM 614609.
Otosclerosis 12. Identifiers: MedGen C5935610, MONDO:0968980, OMIM 620792.
Coffin-Siris syndrome. Identifiers: Orphanet 1465, MedGen C0265338, MONDO:0015452.
Hereditary cancer-predisposing syndrome. Also called: Neoplastic Syndromes, Hereditary; Tumor predisposition; Hereditary neoplastic syndrome; Hereditary Cancer Syndrome. Identifiers: Orphanet 140162, MedGen C0027672, MeSH D009386, MONDO:0015356.

Allele frequency attached by ClinVar (database versions not stated): 1000 Genomes Project 30x 0.01921; gnomAD exomes 0.02575 and 0.03805; TOPMed 0.03400; gnomAD 0.03431 and 0.03292; ESP Exome Variant Server 0.03796; ExAC 0.03830; 1000 Genomes Project 0.01837.
gnomAD v4.1: 59,926 of 1,597,060 alleles (3.8%); highest among the groups gnomAD compares: Non-Finnish European, 4.4%; 1,410 homozygotes.

Submissions (11):

Myriad Genetics, Inc.
Classification: Benign for Rhabdoid tumor predisposition syndrome 2. Last evaluated: 2026-07-10. Review status: criteria provided, single submitter. Criteria: Myriad Autosomal Dominant, Autosomal Recessive and X-Linked Classification Criteria (2023). Collection method: clinical testing. Allele origin: unknown.
Comment: This variant is considered benign. This variant is a silent/synonymous amino acid change and it is not expected to impact splicing.

Labcorp Genetics (formerly Invitae), Labcorp
Classification: Benign for Rhabdoid tumor predisposition syndrome 2. Last evaluated: 2026-02-04. Review status: criteria provided, single submitter. Criteria: Invitae Variant Classification Sherloc (09022015). Collection method: clinical testing. Allele origin: germline.

Mayo Clinic Laboratories, Mayo Clinic
Classification: Likely benign. Last evaluated: 2025-09-02. Review status: criteria provided, single submitter. Criteria: ACMG Guidelines, 2015. Collection method: clinical testing. Allele origin: germline. Observed: 20 variant alleles.
Comment: BS1, BP4, BP7

Quest Diagnostics Nichols Institute San Juan Capistrano
Classification: Benign. Last evaluated: 2025-03-28. Review status: criteria provided, single submitter. Criteria: Quest Diagnostics criteria. Collection method: clinical testing. Allele origin: unknown.

Department of Pathology and Laboratory Medicine, Sinai Health System
Classification: Benign for Rhabdoid tumor predisposition syndrome 2; Intellectual disability, autosomal dominant 16; Otosclerosis 12. Last evaluated: 2022-06-21. Review status: criteria provided, single submitter. Criteria: ACMG Guidelines, 2015. Collection method: clinical testing. Allele origin: germline. Affected: yes.

Genome-Nilou Lab
Classification: Benign for Intellectual disability, autosomal dominant 16. Last evaluated: 2021-07-15. Review status: criteria provided, single submitter. Criteria: ACMG Guidelines, 2015. Collection method: clinical testing. Allele origin: germline. Affected: no.

Illumina Laboratory Services, Illumina
Classification: Benign for Coffin-Siris syndrome. Last evaluated: 2018-01-13. Review status: criteria provided, single submitter. Criteria: ICSL Variant Classification Criteria 13 December 2019. Collection method: clinical testing. Allele origin: germline.
Comment: This variant was observed in the ICSL laboratory as part of a predisposition screen in an ostensibly healthy population. It had not been previously curated by ICSL or reported in the Human Gene Mutation Database (HGMD: prior to June 1st, 2018), and was therefore a candidate for classification through an automated scoring system. Utilizing variant allele frequency, disease prevalence and penetrance estimates, and inheritance mode, an automated score was calculated to assess if this variant is too frequent to cause the disease. Based on the score and internal cut-off values, a variant classified as benign is not then subjected to further curation. The score for this variant resulted in a classification of benign for this disease.

GeneDx
Classification: Benign. Last evaluated: 2016-06-29. Review status: criteria provided, single submitter. Criteria: GeneDx Variant Classification (06012015). Collection method: clinical testing. Allele origin: germline. Affected: yes.
Comment: This variant is considered likely benign or benign based on one or more of the following criteria: it is a conservative change, it occurs at a poorly conserved position in the protein, it is predicted to be benign by multiple in silico algorithms, and/or has population frequency not consistent with disease.

Ambry Genetics
Classification: Benign for Hereditary cancer-predisposing syndrome. Last evaluated: 2015-05-20. Review status: criteria provided, single submitter. Criteria: Ambry Variant Classification Scheme 2023. Collection method: clinical testing. Allele origin: germline.

Breakthrough Genomics
Classification: Benign. Review status: criteria provided, single submitter. Criteria: ACMG Guidelines, 2015. Collection method: not provided. Allele origin: germline. Inheritance: Autosomal dominant inheritance. Affected: yes.

Genetic Services Laboratory, University of Chicago
Classification: Likely benign for AllHighlyPenetrant. Review status: no assertion criteria provided. Collection method: clinical testing. Allele origin: germline. Inheritance: Autosomal dominant inheritance. Observed: 9 variant alleles. Not counted in ClinVar's aggregate classification.
Comment: Likely benign based on allele frequency in 1000 Genomes Project or ESP global frequency and its presence in a patient with a rare or unrelated disease phenotype. NOT Sanger confirmed.

Literature cited by the submitters: PubMed 21280140 (cited by Quest Diagnostics Nichols Institute San Juan Capistrano).